The following is an entry in ClinVar:

NM_016938.5(EFEMP2):c.146G>C (p.Ser49Thr)

Gene: EFEMP2 (EGF-like fibulin extracellular matrix protein 2; minus strand). Cytogenetic location: 11q13.1.
Variant type: single nucleotide variant.
Coding change: c.146G>C on transcript NM_016938.5 (MANE Select); coding-DNA position 146, G replaced by C.
Protein change: p.Ser49Thr; replaces serine 49 with threonine.
Molecular consequence: missense variant. On other transcripts: non-coding transcript variant (1).
Genome position (GRCh38, 1-based): chr11:65,871,984, C>G on the plus strand (G>C on the coding strand, the complement: EFEMP2 is on the minus strand). VCF-style: chr11-65871984-C-G. GRCh37 (hg19) VCF-style: chr11-65639455-C-G.
Other names: short protein forms S49T.
Identifiers: ClinVar variation 854275 (VCV000854275.8), dbSNP rs1468378128, ClinGen allele CA381310853.

ClinVar aggregate classification (germline): Uncertain significance. Review status: criteria provided, multiple submitters, no conflicts (2 of 4 stars). 2 submissions from 2 submitters: Uncertain significance (2). Last evaluated 2024-08-27.

Conditions:
Cutis laxa, autosomal recessive, type 1B (ARCL1B). Also called: EFEMP2-Related Cutis Laxa; CUTIS LAXA, AUTOSOMAL RECESSIVE, TYPE IB. Identifiers: Orphanet 90349, MedGen C3280798, MONDO:0013754, OMIM 614437. Disease mechanism: loss of function.

Allele frequency attached by ClinVar (database versions not stated): gnomAD 0.00001; TOPMed 0.00001.
gnomAD v4.1: 7 of 1,551,552 alleles (0.00045%); highest among the groups gnomAD compares: Non-Finnish European, 0.00061%; no homozygotes.

Submissions (2):

Women's Health and Genetics/Laboratory Corporation of America, LabCorp
Classification: Uncertain significance. Last evaluated: 2024-08-27. Review status: criteria provided, single submitter. Criteria: LabCorp Variant Classification Summary - May 2015. Collection method: clinical testing. Allele origin: germline.

Labcorp Genetics (formerly Invitae), Labcorp
Classification: Uncertain significance for Cutis laxa, autosomal recessive, type 1B. Last evaluated: 2022-06-20. Review status: criteria provided, single submitter. Criteria: Invitae Variant Classification Sherloc (09022015). Collection method: clinical testing. Allele origin: germline.
Comment: This sequence change replaces serine, which is neutral and polar, with threonine, which is neutral and polar, at codon 49 of the EFEMP2 protein (p.Ser49Thr). This variant is not present in population databases (gnomAD no frequency). This variant has not been reported in the literature in individuals affected with EFEMP2-related conditions. ClinVar contains an entry for this variant (Variation ID: 854275). Algorithms developed to predict the effect of missense changes on protein structure and function output the following: SIFT: "Deleterious"; PolyPhen-2: "Benign"; Align-GVGD: "Class C0". The threonine amino acid residue is found in multiple mammalian species, which suggests that this missense change does not adversely affect protein function. In summary, the available evidence is currently insufficient to determine the role of this variant in disease. Therefore, it has been classified as a Variant of Uncertain Significance.